The following is an entry in ClinVar:

NM_001378120.1(MBD5):c.3566A>G (p.Asn1189Ser)

Gene: MBD5 (methyl-CpG binding domain protein 5; plus strand). Cytogenetic location: 2q23.1.
Variant type: single nucleotide variant.
Coding change: c.3566A>G on transcript NM_001378120.1 (MANE Select); coding-DNA position 3566, A replaced by G.
Protein change: p.Asn1189Ser; replaces asparagine 1189 with serine.
Molecular consequence: missense variant.
Genome position (GRCh38, 1-based): chr2:148,485,763, A>G. VCF-style: chr2-148485763-A-G. GRCh37 (hg19) VCF-style: chr2-149243332-A-G.
Other names: c.2867A>G, p.Asn956Ser (NM_018328.5); short protein forms N1189S, N956S.
Identifiers: ClinVar variation 3699820 (VCV003699820.2).

ClinVar aggregate classification (germline): Uncertain significance (1 of 4 stars; one submission).

Conditions:
Intellectual developmental disorder, autosomal dominant 1. Also called: MBD5 Haploinsufficiency; Intellectual disability, autosomal dominant 1. Identifiers: Orphanet 228402, MedGen C1969562, MONDO:0007974, OMIM 156200.

gnomAD v4.1: 3 of 1,613,214 alleles (0.00019%); highest among the groups gnomAD compares: African/African-American, 0.0027%; no homozygotes.

Submission:

Labcorp Genetics (formerly Invitae), Labcorp
Classification: Uncertain significance for Intellectual developmental disorder, autosomal dominant 1. Last evaluated: 2024-05-21. Review status: criteria provided, single submitter. Criteria: Invitae Variant Classification Sherloc (09022015). Collection method: clinical testing. Allele origin: germline.
Comment: This sequence change replaces asparagine, which is neutral and polar, with serine, which is neutral and polar, at codon 956 of the MBD5 protein (p.Asn956Ser). This variant is present in population databases (rs759177355, gnomAD 0.003%). This variant has not been reported in the literature in individuals affected with MBD5-related conditions. Advanced modeling of protein sequence and biophysical properties (such as structural, functional, and spatial information, amino acid conservation, physicochemical variation, residue mobility, and thermodynamic stability) performed at Invitae indicates that this missense variant is not expected to disrupt MBD5 protein function with a negative predictive value of 80%. In summary, the available evidence is currently insufficient to determine the role of this variant in disease. Therefore, it has been classified as a Variant of Uncertain Significance.